The following is an entry in ClinVar:

ClinVar aggregate classification (germline): Uncertain significance (1 of 4 stars; one submission).

Conditions:
Cowden syndrome 6 (CWS6). Identifiers: Orphanet 201, MedGen C3554519, MONDO:0014048, OMIM 615109.

Allele frequency attached by ClinVar (database versions not stated): TOPMed 0.00001.
gnomAD v4.1: 12 of 1,612,306 alleles (0.00074%); highest among the groups gnomAD compares: Non-Finnish European, 0.001%; no homozygotes.

Submission:

Labcorp Genetics (formerly Invitae), Labcorp
Classification: Uncertain significance for Cowden syndrome 6. Last evaluated: 2023-05-08. Review status: criteria provided, single submitter. Criteria: Invitae Variant Classification Sherloc (09022015). Collection method: clinical testing. Allele origin: germline.
Comment: In summary, the available evidence is currently insufficient to determine the role of this variant in disease. Therefore, it has been classified as a Variant of Uncertain Significance. An algorithm developed to predict the effect of missense changes on protein structure and function (PolyPhen-2) suggests that this variant is likely to be disruptive. ClinVar contains an entry for this variant (Variation ID: 1039217). This variant has not been reported in the literature in individuals affected with AKT1-related conditions. This variant is present in population databases (no rsID available, gnomAD 0.007%). This sequence change replaces aspartic acid, which is acidic and polar, with asparagine, which is neutral and polar, at codon 221 of the AKT1 protein (p.Asp221Asn).

NM_001382430.1(AKT1):c.661G>A (p.Asp221Asn)

Gene: AKT1 (AKT serine/threonine kinase 1; minus strand). Cytogenetic location: 14q32.33.
Variant type: single nucleotide variant.
Coding change: c.661G>A on transcript NM_001382430.1 (MANE Select); coding-DNA position 661, G replaced by A.
Protein change: p.Asp221Asn; replaces aspartic acid 221 with asparagine.
Molecular consequence: missense variant.
Genome position (GRCh38, 1-based): chr14:104,773,953, C>T on the plus strand (G>A on the coding strand, the complement: AKT1 is on the minus strand). VCF-style: chr14-104773953-C-T. GRCh37 (hg19) VCF-style: chr14-105240290-C-T.
Other names: c.661G>A, p.Asp221Asn (NM_001014431.2, NM_001014432.2, NM_001382431.1 and 3 more transcripts); short protein forms D221N.
Identifiers: ClinVar variation 1039217 (VCV001039217.8), dbSNP rs762040581, ClinGen allele CA267349477.